The following is an entry in ClinVar:

ClinVar aggregate classification (germline): Uncertain significance (1 of 4 stars; one submission).

Conditions:
Warts, hypogammaglobulinemia, infections, and myelokathexis. Also called: WHIM syndrome. Identifiers: MedGen C0472817, MONDO:0023880.

Submission:

Labcorp Genetics (formerly Invitae), Labcorp
Classification: Uncertain significance for Warts, hypogammaglobulinemia, infections, and myelokathexis. Last evaluated: 2025-02-13. Review status: criteria provided, single submitter. Criteria: Invitae Variant Classification Sherloc (09022015). Collection method: clinical testing. Allele origin: germline.
Comment: This sequence change replaces serine, which is neutral and polar, with asparagine, which is neutral and polar, at codon 122 of the CXCR4 protein (p.Ser122Asn). This variant is not present in population databases (gnomAD no frequency). This variant has not been reported in the literature in individuals affected with CXCR4-related conditions. An algorithm developed to predict the effect of missense changes on protein structure and function (PolyPhen-2) suggests that this variant is likely to be disruptive. In summary, the available evidence is currently insufficient to determine the role of this variant in disease. Therefore, it has been classified as a Variant of Uncertain Significance.

NM_003467.3(CXCR4):c.365G>A (p.Ser122Asn)

Gene: CXCR4 (C-X-C motif chemokine receptor 4; minus strand). Cytogenetic location: 2q22.1.
Variant type: single nucleotide variant.
Coding change: c.365G>A on transcript NM_003467.3 (MANE Select); coding-DNA position 365, G replaced by A.
Protein change: p.Ser122Asn; replaces serine 122 with asparagine.
Molecular consequence: missense variant.
Genome position (GRCh38, 1-based): chr2:136,115,563, C>T on the plus strand (G>A on the coding strand, the complement: CXCR4 is on the minus strand). VCF-style: chr2-136115563-C-T. GRCh37 (hg19) VCF-style: chr2-136873133-C-T.
Other names: c.377G>A, p.Ser126Asn (NM_001008540.2); c.578G>A, p.Ser193Asn (NM_001348056.2); c.464G>A, p.Ser155Asn (NM_001348059.2); c.320G>A, p.Ser107Asn (NM_001348060.2); short protein forms S107N, S122N, S155N, S193N, S126N.
Identifiers: ClinVar variation 4713000 (VCV004713000.1).